The following is an entry in ClinVar:

NM_198506.5(LRIT3):c.997C>A (p.Leu333Met)

Gene: LRIT3 (leucine rich repeat, Ig-like and transmembrane domains 3; plus strand). Cytogenetic location: 4q25.
Variant type: single nucleotide variant.
Coding change: c.997C>A on transcript NM_198506.5 (MANE Select); coding-DNA position 997, C replaced by A.
Protein change: p.Leu333Met; replaces leucine 333 with methionine.
Molecular consequence: missense variant.
Genome position (GRCh38, 1-based): chr4:109,869,746, C>A. VCF-style: chr4-109869746-C-A. GRCh37 (hg19) VCF-style: chr4-110790902-C-A.
Other names: short protein forms L333M.
Identifiers: ClinVar variation 837257 (VCV000837257.8), dbSNP rs1734775957, ClinGen allele CA357870088.

ClinVar aggregate classification (germline): Uncertain significance (1 of 4 stars; one submission).

Allele frequency attached by ClinVar (database versions not stated): gnomAD 0.00001.
gnomAD v4.1: 1 of 1,613,384 alleles (0.000062%); highest among the groups gnomAD compares: African/African-American, 0.0013%; no homozygotes.

Submission:

Labcorp Genetics (formerly Invitae), Labcorp
Classification: Uncertain significance. Last evaluated: 2022-10-13. Review status: criteria provided, single submitter. Criteria: Invitae Variant Classification Sherloc (09022015). Collection method: clinical testing. Allele origin: germline.
Comment: This sequence change replaces leucine, which is neutral and non-polar, with methionine, which is neutral and non-polar, at codon 333 of the LRIT3 protein (p.Leu333Met). This variant is not present in population databases (gnomAD no frequency). This variant has not been reported in the literature in individuals affected with LRIT3-related conditions. ClinVar contains an entry for this variant (Variation ID: 837257). Algorithms developed to predict the effect of missense changes on protein structure and function are either unavailable or do not agree on the potential impact of this missense change (SIFT: "Deleterious"; PolyPhen-2: "Benign"; Align-GVGD: "Class C0"). In summary, the available evidence is currently insufficient to determine the role of this variant in disease. Therefore, it has been classified as a Variant of Uncertain Significance.